The following is an entry in ClinVar:

ClinVar aggregate classification (germline): Uncertain significance (1 of 4 stars; one submission).

Conditions:
Hypertrophic cardiomyopathy. Also called: HYPERTROPHIC MYOCARDIOPATHY. Identifiers: Orphanet 217569, MedGen C0007194, MeSH D002312, MONDO:0005045, HP:0001639.

Allele frequency attached by ClinVar (database versions not stated): gnomAD exomes 0.00001; ExAC 0.00002.
gnomAD v4.1: 9 of 1,613,784 alleles (0.00056%); highest among the groups gnomAD compares: Non-Finnish European, 0.00068%; no homozygotes.

Submission:

Labcorp Genetics (formerly Invitae), Labcorp
Classification: Uncertain significance for Hypertrophic cardiomyopathy. Last evaluated: 2019-09-19. Review status: criteria provided, single submitter. Criteria: Invitae Variant Classification Sherloc (09022015). Collection method: clinical testing. Allele origin: germline.
Comment: In summary, the available evidence is currently insufficient to determine the role of this variant in disease. Therefore, it has been classified as a Variant of Uncertain Significance. Algorithms developed to predict the effect of missense changes on protein structure and function are either unavailable or do not agree on the potential impact of this missense change (SIFT: "Tolerated"; PolyPhen-2: "Probably Damaging"; Align-GVGD: "Class C0"). This variant has not been reported in the literature in individuals with MYOM1-related conditions. This variant is present in population databases (rs759519206, ExAC 0.004%). This sequence change replaces arginine with proline at codon 583 of the MYOM1 protein (p.Arg583Pro). The arginine residue is moderately conserved and there is a moderate physicochemical difference between arginine and proline.

NM_003803.4(MYOM1):c.1748G>C (p.Arg583Pro)

Gene: MYOM1 (myomesin 1; minus strand). Cytogenetic location: 18p11.31.
Variant type: single nucleotide variant.
Coding change: c.1748G>C on transcript NM_003803.4 (MANE Select); coding-DNA position 1748, G replaced by C.
Protein change: p.Arg583Pro; replaces arginine 583 with proline.
Molecular consequence: missense variant.
Genome position (GRCh38, 1-based): chr18:3,151,789, C>G on the plus strand (G>C on the coding strand, the complement: MYOM1 is on the minus strand). VCF-style: chr18-3151789-C-G. GRCh37 (hg19) VCF-style: chr18-3151787-C-G.
Other names: c.1748G>C, p.Arg583Pro (NM_019856.2); short protein forms R583P.
Identifiers: ClinVar variation 961504 (VCV000961504.9), dbSNP rs759519206, ClinGen allele CA8874866.